The following is an entry in ClinVar:

ClinVar aggregate classification (germline): Likely benign. Review status: criteria provided, multiple submitters, no conflicts (2 of 4 stars). 2 submissions from 2 submitters: Likely benign (2). Last evaluated 2026-01-10.

Conditions:
Dilated cardiomyopathy 1O (CMD1O). Also called: CARDIOMYOPATHY, DILATED, WITH VENTRICULAR TACHYCARDIA. Identifiers: Orphanet 154, MedGen C1837839, MONDO:0012062, OMIM 608569.

Allele frequency attached by ClinVar (database versions not stated): gnomAD exomes below 0.00001 and 0.00001; gnomAD 0.00001; ExAC 0.00002; TOPMed 0.00002.
gnomAD v4.1: 10 of 1,602,518 alleles (0.00062%); highest among the groups gnomAD compares: Admixed American, 0.0067%; 1 homozygote.

Submissions (2):

Labcorp Genetics (formerly Invitae), Labcorp
Classification: Likely benign for Dilated cardiomyopathy 1O. Last evaluated: 2026-01-10. Review status: criteria provided, single submitter. Criteria: Invitae Variant Classification Sherloc (09022015). Collection method: clinical testing. Allele origin: germline.

Women's Health and Genetics/Laboratory Corporation of America, LabCorp
Classification: Likely benign. Last evaluated: 2025-12-28. Review status: criteria provided, single submitter. Criteria: LabCorp Variant Classification Summary - May 2015. Collection method: clinical testing. Allele origin: germline.
Comment: Variant summary: ABCC9 c.2424+10A>G alters a non-conserved nucleotide located at a position not widely known to affect splicing. Consensus agreement among computation tools predict no significant impact on normal splicing. However, these predictions have yet to be confirmed by functional studies. The variant allele was found at a frequency of 1.2e-05 in 250700 control chromosomes. The available data on variant occurrences in the general population are insufficient to allow any conclusion about variant significance. c.2424+10A>G has been observed as a VUS in settings of multigene panel testing in a cohort of individual(s) affected with Left ventricular non-compaction (LVNC) (example, Richard_2019). These report(s) do not provide unequivocal conclusions about association of the variant with Dilated Cardiomyopathy and/or ABCC9-related conditions. To our knowledge, no experimental evidence demonstrating an impact on protein function has been reported. ClinVar contains an entry for this variant (Variation ID: 707271). Based on the evidence outlined above, the variant was classified as likely benign.

Literature cited by the submitters: PubMed 30471092 (cited by Women's Health and Genetics/Laboratory Corporation of America, LabCorp).

NM_020297.4(ABCC9):c.2424+10A>G

Gene: ABCC9 (ATP binding cassette subfamily C member 9; minus strand). Cytogenetic location: 12p12.1.
Variant type: single nucleotide variant.
Coding change: c.2424+10A>G on transcript NM_020297.4 (MANE Select); 10 bases into the intron after coding-DNA position 2424, A replaced by G.
Molecular consequence: intron variant.
Genome position (GRCh38, 1-based): chr12:21,860,961, T>C on the plus strand (A>G on the coding strand, the complement: ABCC9 is on the minus strand). VCF-style: chr12-21860961-T-C. GRCh37 (hg19) VCF-style: chr12-22013895-T-C.
Other names: c.1557+10A>G (NM_001377274.1); c.2424+10A>G (NM_005691.4, NM_001377273.1).
Identifiers: ClinVar variation 707271 (VCV000707271.11), dbSNP rs770053314, ClinGen allele CA6481394.
Genomic context (GRCh38, chr12:21,860,961, plus strand): 5'-AAGATTAAAGACAACCAGAAGACTTTTCTAGATTTTTGTTCATTGCTTAATGAAACTATA[T>C]ATAGCTCACCCTCTCTCCAATTTCAGTTTGATCTCCAAATGGTAATAAGTCAATATCTGG-3'